The following is an entry in ClinVar:

ClinVar aggregate classification (germline): Conflicting classifications of pathogenicity. Review status: criteria provided, conflicting classifications (1 of 4 stars). 2 submissions from 2 submitters: Uncertain significance (1); Likely benign (1). Last evaluated 2026-05-05.

Conditions:
Chuvash polycythemia. Also called: POLYCYTHEMIA, VHL-DEPENDENT. Identifiers: Orphanet 238557, MedGen C1837915, MONDO:0009892, OMIM 263400.
Von Hippel-Lindau syndrome (VHLS). Also called: VHL syndrome; Von Hippel-Lindau; von Hippel–Lindau syndrome. Identifiers: Orphanet 892, MedGen C0019562, MONDO:0008667, OMIM 193300. Disease mechanism: loss of function.
Hereditary cancer-predisposing syndrome. Also called: Neoplastic Syndromes, Hereditary; Hereditary neoplastic syndrome; Hereditary Cancer Syndrome; Tumor predisposition. Identifiers: Orphanet 140162, MedGen C0027672, MeSH D009386, MONDO:0015356.

Allele frequency attached by ClinVar (database versions not stated): gnomAD exomes below 0.00001; ExAC 0.00002.
gnomAD v4.1: 2 of 1,599,380 alleles (0.00013%); highest among the groups gnomAD compares: East Asian, 0.0023%; no homozygotes.

Submissions (2):

Ambry Genetics
Classification: Likely benign for Hereditary cancer-predisposing syndrome. Last evaluated: 2026-05-05. Review status: criteria provided, single submitter. Criteria: Ambry Variant Classification Scheme 2023. Collection method: clinical testing. Allele origin: germline.

Labcorp Genetics (formerly Invitae), Labcorp
Classification: Uncertain significance for Von Hippel-Lindau syndrome; Chuvash polycythemia. Last evaluated: 2025-12-24. Review status: criteria provided, single submitter. Criteria: Invitae Variant Classification Sherloc (09022015). Collection method: clinical testing. Allele origin: germline.
Comment: This sequence change replaces valine, which is neutral and non-polar, with methionine, which is neutral and non-polar, at codon 62 of the VHL protein (p.Val62Met). This variant is not present in population databases (gnomAD no frequency). This missense change has been observed in individual(s) with a central nervous system hemangioblastoma (PMID: 20233476). ClinVar contains an entry for this variant (Variation ID: 820178). An algorithm developed to predict the effect of missense changes on protein structure and function outputs the following: PolyPhen-2: "Benign". The methionine amino acid residue is found in multiple mammalian species, which suggests that this missense change does not adversely affect protein function. In summary, the available evidence is currently insufficient to determine the role of this variant in disease. Therefore, it has been classified as a Variant of Uncertain Significance.

Literature cited by the submitters: PubMed 38969834 (cited by Ambry Genetics); PubMed 20233476 (cited by Labcorp Genetics (formerly Invitae), Labcorp).

NM_000551.4(VHL):c.184G>A (p.Val62Met)

Gene: VHL (von Hippel-Lindau tumor suppressor; plus strand). Cytogenetic location: 3p25.3.
Variant type: single nucleotide variant.
Coding change: c.184G>A on transcript NM_000551.4 (MANE Select); coding-DNA position 184, G replaced by A.
Protein change: p.Val62Met; replaces valine 62 with methionine.
Molecular consequence: missense variant.
Genome position (GRCh38, 1-based): chr3:10,142,031, G>A. VCF-style: chr3-10142031-G-A. GRCh37 (hg19) VCF-style: chr3-10183715-G-A.
Other names: c.184G>A, p.Val62Met (NM_001354723.2, NM_198156.3); short protein forms V62M.
Identifiers: ClinVar variation 820178 (VCV000820178.14), dbSNP rs747861291, ClinGen allele CA039721.